The following is an entry in ClinVar:

NM_000182.5(HADHA):c.1638T>C (p.Tyr546=)

Genes: GAREM2 (GRB2 associated regulator of MAPK1 subtype 2; plus strand), HADHA (hydroxyacyl-CoA dehydrogenase trifunctional multienzyme complex subunit alpha; minus strand). Cytogenetic location: 2p23.3.
Variant type: single nucleotide variant.
Coding change: c.1638T>C on transcript NM_000182.5 (MANE Select); coding-DNA position 1638, T replaced by C.
Protein change: p.Tyr546=; no amino-acid change (tyrosine 546 retained).
Molecular consequence: synonymous variant.
Genome position (GRCh38, 1-based): chr2:26,194,621, A>G on the plus strand (T>C on the coding strand, the complement: HADHA is on the minus strand). VCF-style: chr2-26194621-A-G. GRCh37 (hg19) VCF-style: chr2-26417490-A-G.
Other names: c.1638T>C (NM_000182.4).
Identifiers: ClinVar variation 1161467 (VCV001161467.11), dbSNP rs779881707, ClinGen allele CA44379476.

ClinVar aggregate classification (germline): Likely benign. Review status: criteria provided, single submitter (1 of 4 stars). 2 submissions from 2 submitters: Likely benign (1). 1 of the submissions does not count toward it. Last evaluated 2023-11-25.

Conditions:
HADHA-related disorder. Also called: HADHA-related condition; HADHA-related disorders.
Mitochondrial trifunctional protein deficiency. Identifiers: Orphanet 746, MedGen C1969443, MONDO:0012172.
Long chain 3-hydroxyacyl-CoA dehydrogenase deficiency. Also called: LCHAD Deficiency; Deficiency of long-chain 3-hydroxyacyl-coenzyme A dehydrogenase. Identifiers: Orphanet 5, MedGen C3711645, MONDO:0012173, OMIM 609016.

Allele frequency attached by ClinVar (database versions not stated): gnomAD exomes below 0.00001 and 0.00002; TOPMed below 0.00001.
gnomAD v4.1: 28 of 1,610,456 alleles (0.0017%); highest among the groups gnomAD compares: East Asian, 0.011%; no homozygotes.

Submissions (2):

Labcorp Genetics (formerly Invitae), Labcorp
Classification: Likely benign for Mitochondrial trifunctional protein deficiency; Long chain 3-hydroxyacyl-CoA dehydrogenase deficiency. Last evaluated: 2023-11-25. Review status: criteria provided, single submitter. Criteria: Invitae Variant Classification Sherloc (09022015). Collection method: clinical testing. Allele origin: germline.

PreventionGenetics, part of Exact Sciences
Classification: Likely benign for HADHA-related condition. Last evaluated: 2022-05-25. Review status: no assertion criteria provided. Collection method: clinical testing. Allele origin: germline. Not counted in ClinVar's aggregate classification.
Comment: This variant is classified as likely benign based on ACMG/AMP sequence variant interpretation guidelines (Richards et al. 2015 PMID: 25741868, with internal and published modifications).